The following is an entry in ClinVar:

NM_000890.5(KCNJ5):c.116G>A (p.Arg39His)

Gene: KCNJ5 (potassium inwardly rectifying channel subfamily J member 5; plus strand). Cytogenetic location: 11q24.3.
Variant type: single nucleotide variant.
Coding change: c.116G>A on transcript NM_000890.5 (MANE Select); coding-DNA position 116, G replaced by A.
Protein change: p.Arg39His; replaces arginine 39 with histidine.
Molecular consequence: missense variant.
Genome position (GRCh38, 1-based): chr11:128,911,389, G>A. VCF-style: chr11-128911389-G-A. GRCh37 (hg19) VCF-style: chr11-128781284-G-A.
Other names: c.116G>A, p.Arg39His (NM_001354169.2); short protein forms R39H.
Identifiers: ClinVar variation 1739206 (VCV001739206.8), dbSNP rs560269341, ClinGen allele CA6357822.

ClinVar aggregate classification (germline): Uncertain significance. Review status: criteria provided, multiple submitters, no conflicts (2 of 4 stars). 4 submissions from 4 submitters: Uncertain significance (4). Last evaluated 2024-05-13.

Conditions:
Cardiovascular phenotype. Identifiers: MedGen CN230736.
Long QT syndrome 13 (LQT13). Identifiers: Orphanet 101016, Orphanet 768, MedGen C3150733, MONDO:0013279, OMIM 613485.
Familial hyperaldosteronism type III. Also called: FH III; Familial hyperaldosteronism type 3. Identifiers: Orphanet 251274, MedGen C3838758, MONDO:0013359, OMIM 613677.
Long QT syndrome (LQTS). Identifiers: MedGen C0023976, MeSH D008133, MONDO:0002442. Disease mechanism: loss of function. Inheritance: Various modes of inheritance.

Allele frequency attached by ClinVar (database versions not stated): ExAC 0.00001; gnomAD exomes 0.00002; TOPMed 0.00002; gnomAD 0.00003; 1000 Genomes Project 30x 0.00016; 1000 Genomes Project 0.00020.

Submissions (4):

Labcorp Genetics (formerly Invitae), Labcorp
Classification: Uncertain significance for Long QT syndrome. Last evaluated: 2024-05-13. Review status: criteria provided, single submitter. Criteria: Invitae Variant Classification Sherloc (09022015). Collection method: clinical testing. Allele origin: germline.
Comment: This sequence change replaces arginine, which is basic and polar, with histidine, which is basic and polar, at codon 39 of the KCNJ5 protein (p.Arg39His). This variant is present in population databases (rs560269341, gnomAD 0.004%). This variant has not been reported in the literature in individuals affected with KCNJ5-related conditions. ClinVar contains an entry for this variant (Variation ID: 1739206). Advanced modeling of protein sequence and biophysical properties (such as structural, functional, and spatial information, amino acid conservation, physicochemical variation, residue mobility, and thermodynamic stability) performed at Invitae indicates that this missense variant is not expected to disrupt KCNJ5 protein function with a negative predictive value of 95%. In summary, the available evidence is currently insufficient to determine the role of this variant in disease. Therefore, it has been classified as a Variant of Uncertain Significance.

Ambry Genetics
Classification: Uncertain significance for Cardiovascular phenotype. Last evaluated: 2024-05-06. Review status: criteria provided, single submitter. Criteria: Ambry Variant Classification Scheme 2023. Collection method: clinical testing. Allele origin: germline.
Comment: The p.R39H variant (also known as c.116G>A), located in coding exon 1 of the KCNJ5 gene, results from a G to A substitution at nucleotide position 116. The arginine at codon 39 is replaced by histidine, an amino acid with highly similar properties. Based on data from gnomAD, the frequency for this variant is above the maximum credible frequency for a hyperaldosteronism disease-causing variant in this gene based on internally established thresholds (Karczewski et al. Nature. 2020 May;581(7809):434-443; Whiffin et al. Genet Med. 2017 10;19:1151-1158). This amino acid position is well conserved in available vertebrate species. In addition, the in silico prediction for this alteration is inconclusive. Based on the supporting evidence, the association of this alteration with KCNJ5-related hyperaldosteronism is unlikely; however, the association of this alteration with KCNJ5-related long QT syndrome is unknown, as the evidence for this gene-disease relationship is limited.

Fulgent Genetics
Classification: Uncertain significance for Long QT syndrome 13; Familial hyperaldosteronism type III. Last evaluated: 2024-01-20. Review status: criteria provided, single submitter. Criteria: ACMG Guidelines, 2015. Collection method: clinical testing. Allele origin: germline.

Blueprint Genetics
Classification: Uncertain significance. Last evaluated: 2023-11-03. Review status: criteria provided, single submitter. Criteria: ACMG Guidelines, 2015. Collection method: clinical testing. Allele origin: germline.

Literature cited by the submitters: PubMed 21311022 (cited by Ambry Genetics); PubMed 26986070 (cited by Ambry Genetics).